The following is an entry in ClinVar:

ClinVar aggregate classification (germline): Uncertain significance (1 of 4 stars; one submission).

Conditions:
Dyskeratosis congenita. Identifiers: Orphanet 1775, MedGen C0265965, MONDO:0015780.

Submission:

Labcorp Genetics (formerly Invitae), Labcorp
Classification: Uncertain significance for Dyskeratosis congenita. Last evaluated: 2023-07-17. Review status: criteria provided, single submitter. Criteria: Invitae Variant Classification Sherloc (09022015). Collection method: clinical testing. Allele origin: germline.
Comment: An algorithm developed to predict the effect of missense changes on protein structure and function (PolyPhen-2) suggests that this variant is likely to be tolerated. In summary, the available evidence is currently insufficient to determine the role of this variant in disease. Therefore, it has been classified as a Variant of Uncertain Significance. Algorithms developed to predict the effect of sequence changes on RNA splicing suggest that this variant may disrupt the consensus splice site. ClinVar contains an entry for this variant (Variation ID: 2127766). This variant has not been reported in the literature in individuals affected with CTC1-related conditions. This variant is not present in population databases (gnomAD no frequency). This sequence change replaces methionine, which is neutral and non-polar, with valine, which is neutral and non-polar, at codon 917 of the CTC1 protein (p.Met917Val).

NM_025099.6(CTC1):c.2749A>G (p.Met917Val)

Gene: CTC1 (CST telomere replication complex component 1; minus strand). Cytogenetic location: 17p13.1.
Variant type: single nucleotide variant.
Coding change: c.2749A>G on transcript NM_025099.6 (MANE Select); coding-DNA position 2749, A replaced by G.
Protein change: p.Met917Val; replaces methionine 917 with valine.
Molecular consequence: missense variant. On other transcripts: non-coding transcript variant (1).
Genome position (GRCh38, 1-based): chr17:8,230,572, T>C on the plus strand (A>G on the coding strand, the complement: CTC1 is on the minus strand). VCF-style: chr17-8230572-T-C. GRCh37 (hg19) VCF-style: chr17-8133890-T-C.
Other names: c.2749A>G, p.Met917Val (NM_001411067.1); short protein forms M917V.
Identifiers: ClinVar variation 2127766 (VCV002127766.4), dbSNP rs2507883497, ClinGen allele CA397974493.